The following is an entry in ClinVar:

NM_003386.3(ZAN):c.1103-4C>G

Gene: ZAN (zonadhesin; plus strand). Cytogenetic location: 7q22.1.
Variant type: single nucleotide variant.
Coding change: c.1103-4C>G on transcript NM_003386.3 (MANE Select); 4 bases into the intron before coding-DNA position 1103, C replaced by G.
Molecular consequence: intron variant.
Genome position (GRCh38, 1-based): chr7:100,748,320, C>G. VCF-style: chr7-100748320-C-G. GRCh37 (hg19) VCF-style: chr7-100345943-C-G.
Other names: c.1103-4C>G (NM_173059.3).
Identifiers: ClinVar variation 2657765 (VCV002657765.24), dbSNP rs778436018, ClinGen allele CA4389970.

ClinVar aggregate classification (germline): Likely benign (1 of 4 stars; one submission).

Allele frequency attached by ClinVar (database versions not stated): TOPMed 0.00001; ExAC 0.00002; gnomAD 0.00002.
gnomAD v4.1: 20 of 1,613,838 alleles (0.0012%); highest among the groups gnomAD compares: Non-Finnish European, 0.0017%; no homozygotes.

Submission:

CeGaT Center for Human Genetics Tuebingen
Classification: Likely benign. Last evaluated: 2022-08-01. Review status: criteria provided, single submitter. Criteria: CeGaT Center For Human Genetics Tuebingen Variant Classification Criteria Version 2. Collection method: clinical testing. Allele origin: germline. Affected: yes. Observed: 1 variant allele.
Comment: ZAN: BP4